The following is an entry in ClinVar:

NM_016169.4(SUFU):c.893_894insTGCCCCG (p.Arg299fs)

Gene: SUFU (SUFU negative regulator of hedgehog signaling; plus strand). Cytogenetic location: 10q24.32.
Variant type: Insertion.
Coding change: c.893_894insTGCCCCG on transcript NM_016169.4 (MANE Select); coding-DNA positions 893 to 894, TGCCCCG inserted.
Protein change: p.Arg299fs; shifts the reading frame from arginine 299.
Molecular consequence: frameshift variant.
Genome position: GRCh38 VCF-style: chr10-102597270-A-AGCCCCGT. GRCh37 (hg19) VCF-style: chr10-104357027-A-AGCCCCGT.
Other names: c.893_894insTGCCCCG, p.Arg299fs (NM_001178133.2); short protein forms R299fs.
Identifiers: ClinVar variation 1075819 (VCV001075819.7), dbSNP rs2135882232, ClinGen allele CA2499220130.

ClinVar aggregate classification (germline): Pathogenic (1 of 4 stars; one submission).

Conditions:
Gorlin syndrome. Also called: Basal cell nevus syndrome; Nevoid Basal Cell Carcinoma Syndrome. Identifiers: Orphanet 377, MedGen C0004779, MONDO:0007187.
Medulloblastoma (MDB). Also called: Medulloblastoma, somatic; MEDULLOBLASTOMA PREDISPOSITION SYNDROME. Identifiers: Orphanet 616, MedGen C0025149, MeSH D008527, MONDO:0007959, OMIM 155255, HP:0002885.

Submission:

Labcorp Genetics (formerly Invitae), Labcorp
Classification: Pathogenic for Gorlin syndrome; Medulloblastoma. Last evaluated: 2020-04-07. Review status: criteria provided, single submitter. Criteria: Invitae Variant Classification Sherloc (09022015). Collection method: clinical testing. Allele origin: germline.
Comment: For these reasons, this variant has been classified as Pathogenic. Loss-of-function variants in SUFU are known to be pathogenic (PMID: 22508808, 25403219). This variant has not been reported in the literature in individuals with SUFU-related conditions. This variant is not present in population databases (ExAC no frequency). This sequence change creates a premature translational stop signal (p.Arg299Alafs*54) in the SUFU gene. It is expected to result in an absent or disrupted protein product.

Literature cited by the submitters: PubMed 22508808; PubMed 25403219.